The following is an entry in ClinVar:

NM_000179.3(MSH6):c.934A>G (p.Arg312Gly)

Gene: MSH6 (mutS homolog 6; plus strand). Cytogenetic location: 2p16.3.
Variant type: single nucleotide variant.
Coding change: c.934A>G on transcript NM_000179.3 (MANE Select); coding-DNA position 934, A replaced by G.
Protein change: p.Arg312Gly; replaces arginine 312 with glycine.
Molecular consequence: missense variant.
Genome position (GRCh38, 1-based): chr2:47,798,917, A>G. VCF-style: chr2-47798917-A-G. GRCh37 (hg19) VCF-style: chr2-48026056-A-G.
Other names: c.544A>G, p.Arg182Gly (NM_001281492.2); c.28A>G, p.Arg10Gly (NM_001281493.2, NM_001281494.2); short protein forms R10G, R312G, R182G.
Identifiers: ClinVar variation 843277 (VCV000843277.11), dbSNP rs1669273687, ClinGen allele CA346740760.

ClinVar aggregate classification (germline): Uncertain significance (1 of 4 stars; one submission).

Conditions:
Hereditary nonpolyposis colorectal neoplasms. Identifiers: MedGen C0009405, MeSH D003123.

Submission:

Labcorp Genetics (formerly Invitae), Labcorp
Classification: Uncertain significance for Hereditary nonpolyposis colorectal neoplasms. Last evaluated: 2019-12-26. Review status: criteria provided, single submitter. Criteria: Invitae Variant Classification Sherloc (09022015). Collection method: clinical testing. Allele origin: germline.
Comment: This sequence change replaces arginine with glycine at codon 312 of the MSH6 protein (p.Arg312Gly). The arginine residue is weakly conserved and there is a moderate physicochemical difference between arginine and glycine. This variant is not present in population databases (ExAC no frequency). In summary, the available evidence is currently insufficient to determine the role of this variant in disease. Therefore, it has been classified as a Variant of Uncertain Significance. Algorithms developed to predict the effect of sequence changes on RNA splicing suggest that this variant may create or strengthen a splice site, but this prediction has not been confirmed by published transcriptional studies. Algorithms developed to predict the effect of missense changes on protein structure and function (SIFT, PolyPhen-2, Align-GVGD) all suggest that this variant is likely to be tolerated, but these predictions have not been confirmed by published functional studies and their clinical significance is uncertain. This variant has not been reported in the literature in individuals with MSH6-related conditions.